The following is an entry in ClinVar:

ClinVar aggregate classification (germline): Uncertain significance (1 of 4 stars; one submission).

Conditions:
Baller-Gerold syndrome (BGS). Also called: CRANIOSYNOSTOSIS WITH RADIAL DEFECTS. Identifiers: Orphanet 1225, MedGen C0265308, MONDO:0009039, OMIM 218600.

Allele frequency attached by ClinVar (database versions not stated): gnomAD exomes below 0.00001.
gnomAD v4.1: 3 of 1,612,012 alleles (0.00019%); highest among the groups gnomAD compares: Non-Finnish European, 0.00025%; no homozygotes.

Submission:

Labcorp Genetics (formerly Invitae), Labcorp
Classification: Uncertain significance for Baller-Gerold syndrome. Last evaluated: 2023-11-12. Review status: criteria provided, single submitter. Criteria: Invitae Variant Classification Sherloc (09022015). Collection method: clinical testing. Allele origin: germline.
Comment: This sequence change falls in intron 17 of the RECQL4 gene. It does not directly change the encoded amino acid sequence of the RECQL4 protein. This variant is not present in population databases (gnomAD no frequency). This variant has not been reported in the literature in individuals affected with RECQL4-related conditions. Algorithms developed to predict the effect of sequence changes on RNA splicing suggest that this variant may disrupt the consensus splice site. In summary, the available evidence is currently insufficient to determine the role of this variant in disease. Therefore, it has been classified as a Variant of Uncertain Significance.

NM_004260.4(RECQL4):c.3056-7C>G

Gene: RECQL4 (RecQ like helicase 4; minus strand). Cytogenetic location: 8q24.3.
Variant type: single nucleotide variant.
Coding change: c.3056-7C>G on transcript NM_004260.4 (MANE Select); 7 bases into the intron before coding-DNA position 3056, C replaced by G.
Molecular consequence: intron variant.
Genome position (GRCh38, 1-based): chr8:144,512,331, G>C on the plus strand (C>G on the coding strand, the complement: RECQL4 is on the minus strand). VCF-style: chr8-144512331-G-C. GRCh37 (hg19) VCF-style: chr8-145737714-G-C.
Other names: c.2927-7C>G (NM_001413025.1); c.2705-7C>G (NM_001413029.1); c.1919-7C>G (NM_001413032.1, NM_001413027.1, NM_001413030.1); c.1985-7C>G (NM_001413035.1, NM_001413040.1, NM_001413021.1 and 4 more transcripts); c.2762-7C>G (NM_001413017.1); c.2960-7C>G (NM_001413020.1); c.3026-7C>G (NM_001413039.1); c.2924-7C>G (NM_001413033.1); and 9 more.
Identifiers: ClinVar variation 2695291 (VCV002695291.3), dbSNP rs2130660831, ClinGen allele CA2689130203.